The following is an entry in ClinVar:

NM_001365276.2(TNXB):c.2740C>T (p.Arg914Trp)

Gene: TNXB (tenascin XB; minus strand). Cytogenetic location: 6p21.33.
Variant type: single nucleotide variant.
Coding change: c.2740C>T on transcript NM_001365276.2 (MANE Select); coding-DNA position 2740, C replaced by T.
Protein change: p.Arg914Trp; replaces arginine 914 with tryptophan.
Molecular consequence: missense variant.
Genome position (GRCh38, 1-based): chr6:32,088,824, G>A on the plus strand (C>T on the coding strand, the complement: TNXB is on the minus strand). VCF-style: chr6-32088824-G-A. GRCh37 (hg19) VCF-style: chr6-32056601-G-A.
Other names: c.2740C>T, p.Arg914Trp (NM_019105.8); short protein forms R914W.
Identifiers: ClinVar variation 1795435 (VCV001795435.4), dbSNP rs542966732, ClinGen allele CA3735420.

ClinVar aggregate classification (germline): Uncertain significance. Review status: criteria provided, multiple submitters, no conflicts (2 of 4 stars). 2 submissions from 2 submitters: Uncertain significance (2). Last evaluated 2025-09-10.

Conditions:
Cardiovascular phenotype. Identifiers: MedGen CN230736.

Allele frequency attached by ClinVar (database versions not stated): gnomAD exomes 0.00001; gnomAD 0.00003; ExAC 0.00005; TOPMed 0.00008; 1000 Genomes Project 30x 0.00016; 1000 Genomes Project 0.00020.
gnomAD v4.1: 24 of 1,580,474 alleles (0.0015%); highest among the groups gnomAD compares: Admixed American, 0.0073%; no homozygotes.

Submissions (2):

Ambry Genetics
Classification: Uncertain significance for Cardiovascular phenotype. Last evaluated: 2025-09-10. Review status: criteria provided, single submitter. Criteria: Ambry Variant Classification Scheme 2023. Collection method: clinical testing. Allele origin: germline.

GeneDx
Classification: Uncertain significance. Last evaluated: 2024-09-30. Review status: criteria provided, single submitter. Criteria: GeneDx Variant Classification Process June 2021. Collection method: clinical testing. Allele origin: germline. Affected: yes.
Comment: Has not been previously published as pathogenic or benign to our knowledge; Not observed at significant frequency in large population cohorts (gnomAD); In silico analysis supports that this missense variant has a deleterious effect on protein structure/function